The following is an entry in ClinVar:

ClinVar aggregate classification (germline): Likely pathogenic (1 of 4 stars; one submission).

Conditions:
Hereditary cancer-predisposing syndrome. Also called: Hereditary neoplastic syndrome; Hereditary Cancer Syndrome; Neoplastic Syndromes, Hereditary; Tumor predisposition. Identifiers: Orphanet 140162, MedGen C0027672, MeSH D009386, MONDO:0015356.

Submission:

Ambry Genetics
Classification: Likely pathogenic for Hereditary cancer-predisposing syndrome. Last evaluated: 2023-05-03. Review status: criteria provided, single submitter. Criteria: Ambry Variant Classification Scheme 2023. Collection method: clinical testing. Allele origin: germline.
Comment: The c.12_22del11insTTCA variant, located in coding exon 1 of the NF2 gene, results from the deletion of 11 nucleotides and insertion of 4 nucleotides causing a translational frameshift with a predicted alternate stop codon (p.I5Sfs*3). The predicted stop codon occurs in the 5&rsquo; end of NF2 gene. Premature termination codons in the 5&rsquo; end of a gene have been reported to escape nonsense-mediated mRNAdecay and/or lead to re-initiation (Rivas et al. Science. 2015 May 8;348(6235):666-9; Lindeboom et al. Nat Genet. 2016 Oct;48(10):1112-8; Rhee et al. Sci Rep. 2017 May 10;7(1):1653). Direct evidence for this alteration is unavailable, however premature termination codons are typically deleterious in nature. This variant is considered to be rare based on population cohorts in the Genome Aggregation Database (gnomAD). Based on the majority of available evidence to date, this variant is likely to be pathogenic.

NM_000268.4(NF2):c.12_22delinsTTCA (p.Ile5fs)

Gene: NF2 (NF2, moesin-ezrin-radixin like (MERLIN) tumor suppressor; plus strand). Cytogenetic location: 22q12.2.
Variant type: Indel.
Coding change: c.12_22delinsTTCA on transcript NM_000268.4 (MANE Select); coding-DNA positions 12 to 22, CATCGCTTCCC replaced by TTCA.
Protein change: p.Ile5fs; shifts the reading frame from isoleucine 5.
Molecular consequence: frameshift variant. On other transcripts: 5 prime UTR variant (4), non-coding transcript variant (1).
Genome position (GRCh38, 1-based): chr22:29,604,010-29,604,020, CATCGCTTCCC replaced by TTCA. VCF-style: chr22-29604010-CATCGCTTCCC-TTCA. GRCh37 (hg19) VCF-style: chr22-29999999-CATCGCTTCCC-TTCA.
Other names: c.-219_-209delinsTTCA (NM_001407053.1, NM_001407056.1); c.12_22delinsTTCA, p.Ile5fs (NM_001407054.1, NM_001407055.1, NM_001407057.1 and 15 more transcripts); c.-629_-619delinsTTCA (NM_001407065.1); c.-245_-235delinsTTCA (NM_001407067.1); c.12_22del11insTTCA (NM_000268.3); short protein forms I5fs.
Identifiers: ClinVar variation 2568067 (VCV002568067.2), dbSNP rs2518225830, ClinGen allele CA2580615288.